The following is an entry in ClinVar:

NM_153676.4(USH1C):c.2381-2A>G

Gene: USH1C (USH1 protein network component harmonin; minus strand). Cytogenetic location: 11p15.1.
Variant type: single nucleotide variant.
Coding change: c.2381-2A>G on transcript NM_153676.4 (MANE Select); the canonical splice acceptor site of the intron before coding-DNA position 2381, A replaced by G.
Molecular consequence: splice acceptor variant.
Genome position (GRCh38, 1-based): chr11:17,498,273, T>C on the plus strand (A>G on the coding strand, the complement: USH1C is on the minus strand). VCF-style: chr11-17498273-T-C. GRCh37 (hg19) VCF-style: chr11-17519820-T-C.
Other names: c.1424-2A>G (NM_001297764.2); c.1481-2A>G (NM_005709.4).
Identifiers: ClinVar variation 557217 (VCV000557217.3), dbSNP rs1465352266, ClinGen allele CA379801491.

ClinVar aggregate classification (germline): Uncertain significance. Review status: criteria provided, single submitter (1 of 4 stars). 2 submissions from 2 submitters: Uncertain significance (1). 1 of the submissions does not count toward it. Last evaluated 2025-10-07.

Conditions:
Usher syndrome type 1C. Also called: USHER SYNDROME, TYPE I, ACADIAN VARIETY. Identifiers: Orphanet 231169, Orphanet 886, MedGen C1848604, MONDO:0010171, OMIM 276904.
Autosomal recessive nonsyndromic hearing loss 18A. Also called: Deafness, autosomal recessive 18A; DEAFNESS, AUTOSOMAL RECESSIVE 18. Identifiers: Orphanet 90636, MedGen C1865870, MONDO:0011192, OMIM 602092.

Allele frequency attached by ClinVar (database versions not stated): gnomAD exomes below 0.00001.
gnomAD v4.1: 1 of 1,614,024 alleles (0.000062%); highest among the groups gnomAD compares: Non-Finnish European, 0.000085%; no homozygotes.

Submissions (2):

Myriad Genetics, Inc.
Classification: Uncertain significance for Usher syndrome type 1C. Last evaluated: 2025-10-07. Review status: criteria provided, single submitter. Criteria: Myriad Autosomal Dominant, Autosomal Recessive and X-Linked Classification Criteria (2023). Collection method: clinical testing. Allele origin: unknown.
Comment: NM_005709.3(USH1C):c.1481-2A>G is a variant in a canonical splice site classified as a variant of uncertain significance in the context of USH1C-related disorders. c.1481-2A>G has not been observed in cases with relevant disease. Relevant functional assessments of this variant are not available in the literature. c.1481-2A>G has not been observed in referenced population frequency databases. In summary, there is insufficient evidence to classify NM_005709.3(USH1C):c.1481-2A>G as pathogenic or benign. Please note: this variant was assessed in the context of healthy population screening.

Counsyl
Classification: Likely pathogenic for Usher syndrome type 1C; Autosomal recessive nonsyndromic hearing loss 18A. Last evaluated: 2018-03-19. Review status: no assertion criteria provided. Collection method: clinical testing. Allele origin: unknown. Not counted in ClinVar's aggregate classification.